The following is an entry in ClinVar:

ClinVar aggregate classification (germline): Uncertain significance (1 of 4 stars; one submission).

Conditions:
LRP5-related disorder. Also called: LRP5-related condition.

gnomAD v4.1: 1 of 1,613,168 alleles (0.000062%); highest among the groups gnomAD compares: Non-Finnish European, 0.000085%; no homozygotes.

Submission:

PreventionGenetics, part of Exact Sciences
Classification: Uncertain significance for LRP5-related condition. Last evaluated: 2026-05-16. Review status: criteria provided, single submitter. Criteria: ACMG Guidelines, 2015. Collection method: clinical testing. Allele origin: germline.
Comment: The LRP5 c.2359G>T variant is predicted to result in the amino acid substitution p.Val787Leu. To our knowledge, this variant has not been reported in the literature. This variant is reported in 0.00088% of alleles in individuals of European (Non-Finnish) descent in gnomAD. At this time, the clinical significance of this variant is uncertain due to the absence of conclusive functional and genetic evidence.

NM_002335.4(LRP5):c.2359G>T (p.Val787Leu)

Gene: LRP5 (LDL receptor related protein 5; plus strand). Cytogenetic location: 11q13.2.
Variant type: single nucleotide variant.
Coding change: c.2359G>T on transcript NM_002335.4 (MANE Select); coding-DNA position 2359, G replaced by T.
Protein change: p.Val787Leu; replaces valine 787 with leucine.
Molecular consequence: missense variant.
Genome position (GRCh38, 1-based): chr11:68,411,476, G>T. VCF-style: chr11-68411476-G-T. GRCh37 (hg19) VCF-style: chr11-68178944-G-T.
Other names: c.616G>T, p.Val206Leu (NM_001291902.2); short protein forms V206L, V787L.
Identifiers: ClinVar variation 4977582 (VCV004977582.1).